The following is an entry in ClinVar:

ClinVar aggregate classification (germline): Uncertain significance (1 of 4 stars; one submission).

Conditions:
Hereditary cancer-predisposing syndrome. Also called: Hereditary Cancer Syndrome; Hereditary neoplastic syndrome; Neoplastic Syndromes, Hereditary; Tumor predisposition. Identifiers: Orphanet 140162, MedGen C0027672, MeSH D009386, MONDO:0015356.

Submission:

Ambry Genetics
Classification: Uncertain significance for Hereditary cancer-predisposing syndrome. Last evaluated: 2025-07-15. Review status: criteria provided, single submitter. Criteria: Ambry Variant Classification Scheme 2023. Collection method: clinical testing. Allele origin: germline.
Comment: The p.V456A variant (also known as c.1367T>C), located in coding exon 9 of the FH gene, results from a T to C substitution at nucleotide position 1367. The valine at codon 456 is replaced by alanine, an amino acid with similar properties. This amino acid position is highly conserved in available vertebrate species. In addition, this alteration is predicted to be deleterious by in silico analysis. Based on the available evidence, the clinical significance of this variant remains unclear.

NM_000143.4(FH):c.1367T>C (p.Val456Ala)

Gene: FH (fumarate hydratase; minus strand). Cytogenetic location: 1q43.
Variant type: single nucleotide variant.
Coding change: c.1367T>C on transcript NM_000143.4 (MANE Select); coding-DNA position 1367, T replaced by C.
Protein change: p.Val456Ala; replaces valine 456 with alanine.
Molecular consequence: missense variant.
Genome position (GRCh38, 1-based): chr1:241,500,460, A>G on the plus strand (T>C on the coding strand, the complement: FH is on the minus strand). VCF-style: chr1-241500460-A-G. GRCh37 (hg19) VCF-style: chr1-241663760-A-G.
Other names: short protein forms V456A.
Identifiers: ClinVar variation 4257337 (VCV004257337.1).